The following is an entry in ClinVar:

NM_001903.5(CTNNA1):c.354T>A (p.Ser118=)

Gene: CTNNA1 (catenin alpha 1; plus strand). Cytogenetic location: 5q31.2.
Variant type: single nucleotide variant.
Coding change: c.354T>A on transcript NM_001903.5 (MANE Select); coding-DNA position 354, T replaced by A.
Protein change: p.Ser118=; no amino-acid change (serine 118 retained).
Molecular consequence: synonymous variant. On other transcripts: intron variant (1).
Genome position (GRCh38, 1-based): chr5:138,810,090, T>A. VCF-style: chr5-138810090-T-A. GRCh37 (hg19) VCF-style: chr5-138145779-T-A.
Other names: c.354T>A, p.Ser118= (NM_001290307.3, NM_001323982.2, NM_001323983.1 and 3 more transcripts); c.45T>A, p.Ser15= (NM_001290309.3); c.-5-11T>A (NM_001290310.3).
Identifiers: ClinVar variation 3773318 (VCV003773318.1).
Genomic context (GRCh38, chr5:138,810,090, plus strand): 5'-TAAAACAGGTGATTTGATGAAGGCTGCTGCAGGAGAGTTCGCAGATGATCCCTGCTCTTC[T>A]GTGAAGCGAGGCAACATGGTTCGGGCAGCTCGAGCTTTGCTCTCTGCTGTTACCCGGTTG-3'
Protein context (NP_001894.2, residues 108-128): AGEFADDPCS[Ser118=]VKRGNMVRAA

ClinVar aggregate classification (germline): Benign (1 of 4 stars; one submission).

Conditions:
Hereditary diffuse gastric adenocarcinoma (HDGC). Also called: DIFFUSE GASTRIC AND LOBULAR BREAST CANCER SYNDROME. Identifiers: Orphanet 26106, MedGen C1708349, MONDO:0007648, OMIM 137215.

Submission:

Myriad Genetics, Inc.
Classification: Benign for Hereditary diffuse gastric adenocarcinoma. Last evaluated: 2024-10-09. Review status: criteria provided, single submitter. Criteria: Myriad Autosomal Dominant, Autosomal Recessive and X-Linked Classification Criteria (2023). Collection method: clinical testing. Allele origin: unknown.
Comment: This variant is considered benign. This variant is a silent/synonymous amino acid change and it is not expected to impact splicing.